The following is an entry in ClinVar:

ClinVar aggregate classification (germline): Uncertain significance. Review status: criteria provided, multiple submitters, no conflicts (2 of 4 stars). 3 submissions from 3 submitters: Uncertain significance (3). Last evaluated 2025-12-13.

Conditions:
Retinitis pigmentosa 77 (RP77). Identifiers: MedGen C4310626, MONDO:0015013, OMIM 617304.

Allele frequency attached by ClinVar (database versions not stated): gnomAD exomes 0.00001; TOPMed 0.00001; ExAC 0.00002; gnomAD 0.00002.

Submissions (3):

3billion
Classification: Uncertain significance for Retinitis pigmentosa 77. Last evaluated: 2025-12-13. Review status: criteria provided, single submitter. Criteria: ACMG Guidelines, 2015. Collection method: clinical testing. Allele origin: germline. Affected: yes.
Comment: The variant is observed at an extremely low frequency in the gnomAD v4.1.0 dataset (total allele frequency: <0.001%). Predicted Consequence/Location: Intron variant In silico tools predict the variant to alter splicing and produce an abnormal transcript [SpliceAI: 0.96 (>=0.2, moderate evidence for spliceogenicity)]. The variant has been reported as of uncertain significance (ClinVar ID: VCV002043925). Therefore, this variant is classified as VUS according to the recommendation of ACMG/AMP guideline.

Blueprint Genetics
Classification: Uncertain significance. Last evaluated: 2024-09-10. Review status: criteria provided, single submitter. Criteria: ACMG Guidelines, 2015. Collection method: clinical testing. Allele origin: germline.

Labcorp Genetics (formerly Invitae), Labcorp
Classification: Uncertain significance. Last evaluated: 2021-07-09. Review status: criteria provided, single submitter. Criteria: Invitae Variant Classification Sherloc (09022015). Collection method: clinical testing. Allele origin: germline.
Comment: This sequence change replaces arginine with cysteine at codon 141 of the REEP6 protein (p.Arg141Cys). The arginine residue is highly conserved and there is a large physicochemical difference between arginine and cysteine. This variant is present in population databases (rs753502304, ExAC 0.01%). This variant has not been reported in the literature in individuals affected with REEP6-related conditions. In summary, the available evidence is currently insufficient to determine the role of this variant in disease. Therefore, it has been classified as a Variant of Uncertain Significance.

NM_138393.4(REEP6):c.421C>T (p.Arg141Cys)

Gene: REEP6 (receptor accessory protein 6; plus strand). Cytogenetic location: 19p13.3.
Variant type: single nucleotide variant.
Coding change: c.421C>T on transcript NM_138393.4 (MANE Select); coding-DNA position 421, C replaced by T.
Protein change: p.Arg141Cys; replaces arginine 141 with cysteine.
Molecular consequence: missense variant.
Genome position (GRCh38, 1-based): chr19:1,496,357, C>T. VCF-style: chr19-1496357-C-T. GRCh37 (hg19) VCF-style: chr19-1496356-C-T.
Other names: c.421C>T, p.Arg141Cys (NM_001329556.3); short protein forms R141C.
Identifiers: ClinVar variation 1490862 (VCV001490862.5), dbSNP rs753502304, ClinGen allele CA9047567.